The following is an entry in ClinVar:

ClinVar aggregate classification (germline): Pathogenic/Likely pathogenic. Review status: criteria provided, multiple submitters, no conflicts (2 of 4 stars). 5 submissions from 5 submitters: Pathogenic (4); Likely pathogenic (1). Last evaluated 2024-01-08.

Conditions:
Hereditary cancer-predisposing syndrome. Also called: Neoplastic Syndromes, Hereditary; Tumor predisposition; Hereditary Cancer Syndrome; Hereditary neoplastic syndrome. Identifiers: Orphanet 140162, MedGen C0027672, MeSH D009386, MONDO:0015356.
Hereditary breast ovarian cancer syndrome. Also called: Hereditary breast and/or ovarian cancer syndrome; Hereditary breast and ovarian cancer syndrome; Hereditary breast and ovarian cancer; Hereditary breast and ovarian cancer syndrome (HBOC); Breast and ovarian cancer; BRCA1- and BRCA2-Associated Hereditary Breast and Ovarian Cancer. Identifiers: Orphanet 145, MedGen C0677776, MeSH D061325, MONDO:0003582. Disease mechanism: loss of function.
Breast-ovarian cancer, familial, susceptibility to, 2 (BROVCA2). Also called: BRCA2 Hereditary Breast and Ovarian Cancer. Identifiers: Orphanet 145, MedGen C2675520, MONDO:0012933, OMIM 612555. Disease mechanism: loss of function.
Familial cancer of breast. Also called: Hereditary breast cancer; BREAST CANCER, FAMILIAL; hereditary breast carcinoma. Identifiers: Orphanet 227535, MedGen C0346153, MONDO:0016419, OMIM 114480. Disease mechanism: loss of function.

Submissions (5):

All of Us Research Program, National Institutes of Health
Classification: Pathogenic for Breast-ovarian cancer, familial, susceptibility to, 2. Last evaluated: 2024-01-08. Review status: criteria provided, single submitter. Criteria: ACMG Guidelines, 2015. Collection method: clinical testing. Allele origin: germline. Inheritance: Autosomal dominant inheritance. Observed: 1 variant allele, 1 heterozygote.
Comment: This variant inserts 2 nucleotides in exon 10 of the BRCA2 gene, creating a frameshift and premature translation stop signal. This variant is expected to result in an absent or non-functional protein product. To our knowledge, this variant has not been reported in individuals affected with BRCA2-related disorders in the literature. This variant has not been identified in the general population by the Genome Aggregation Database (gnomAD). Loss of BRCA2 function is a known mechanism of disease. Based on the available evidence, this variant is classified as Pathogenic.

This study involves interpretation of variants in research participants for the purpose of population health screening. Participant phenotype was not available at the time of variant classification. Additional details can be found in publication PMID: 35346344, PMCID: PMC8962531

Baylor Genetics
Classification: Likely pathogenic for Familial cancer of breast. Last evaluated: 2023-11-03. Review status: criteria provided, single submitter. Criteria: ACMG Guidelines, 2015. Collection method: clinical testing. Allele origin: unknown.

Color Diagnostics, LLC DBA Color Health
Classification: Pathogenic for Hereditary cancer-predisposing syndrome. Last evaluated: 2023-09-01. Review status: criteria provided, single submitter. Criteria: ACMG Guidelines, 2015. Collection method: clinical testing. Allele origin: germline.
Comment: This variant inserts 2 nucleotides in exon 10 of the BRCA2 gene, creating a frameshift and premature translation stop signal. This variant is expected to result in an absent or non-functional protein product. To our knowledge, this variant has not been reported in individuals affected with BRCA2-related disorders in the literature. This variant has not been identified in the general population by the Genome Aggregation Database (gnomAD). Loss of BRCA2 function is a known mechanism of disease. Based on the available evidence, this variant is classified as Pathogenic.

Labcorp Genetics (formerly Invitae), Labcorp
Classification: Pathogenic for Hereditary breast ovarian cancer syndrome. Last evaluated: 2022-02-25. Review status: criteria provided, single submitter. Criteria: Invitae Variant Classification Sherloc (09022015). Collection method: clinical testing. Allele origin: germline.
Comment: For these reasons, this variant has been classified as Pathogenic. ClinVar contains an entry for this variant (Variation ID: 566061). This variant has not been reported in the literature in individuals affected with BRCA2-related conditions. This variant is not present in population databases (gnomAD no frequency). This sequence change creates a premature translational stop signal (p.Leu440Phefs*21) in the BRCA2 gene. It is expected to result in an absent or disrupted protein product. Loss-of-function variants in BRCA2 are known to be pathogenic (PMID: 20104584).

Ambry Genetics
Classification: Pathogenic for Hereditary cancer-predisposing syndrome. Last evaluated: 2021-09-15. Review status: criteria provided, single submitter. Criteria: Ambry Variant Classification Scheme 2023. Collection method: clinical testing. Allele origin: germline.
Comment: The c.1316_1317dupTT pathogenic mutation, located in coding exon 9 of the BRCA2 gene, results from a duplication of TT at nucleotide position 1316, causing a translational frameshift with a predicted alternate stop codon (p.L440Ffs*21). This alteration is expected to result in loss of function by premature protein truncation or nonsense-mediated mRNA decay. As such, this alteration is interpreted as a disease-causing mutation.

Literature cited by the submitters: PubMed 20104584 (cited by Labcorp Genetics (formerly Invitae), Labcorp).

NM_000059.4(BRCA2):c.1316_1317dup (p.Leu440fs)

Gene: BRCA2 (BRCA2 DNA repair associated; plus strand). Cytogenetic location: 13q13.1.
Variant type: Duplication.
Coding change: c.1316_1317dup on transcript NM_000059.4 (MANE Select); coding-DNA positions 1316 to 1317, 2 bases duplicated (TT; older notation c.1316_1317dupTT).
Protein change: p.Leu440fs; shifts the reading frame from leucine 440.
Molecular consequence: frameshift variant.
Genome position (GRCh38, 1-based): chr13:32,332,794-32,332,795, TT duplicated; duplicating any 2 consecutive bases within chr13:32,332,792-32,332,795 gives the same sequence; the c. name uses the placement nearest the transcript's 3' end. VCF-style (leftmost placement, unchanged base first): chr13-32332791-A-ATT. GRCh37 (hg19) VCF-style: chr13-32906928-A-ATT.
Other names: c.1316_1317dupTT (NM_000059.3); short protein forms L440fs.
Identifiers: ClinVar variation 566061 (VCV000566061.14), dbSNP rs886040359, ClinGen allele CA891843618.